The following is an entry in ClinVar:

NM_001365902.3(NFIX):c.1402+3A>G

Gene: NFIX (nuclear factor I X; plus strand). Cytogenetic location: 19p13.13.
Variant type: single nucleotide variant.
Coding change: c.1402+3A>G on transcript NM_001365902.3 (MANE Select); 3 bases into the intron after coding-DNA position 1402, A replaced by G.
Molecular consequence: intron variant.
Genome position (GRCh38, 1-based): chr19:13,088,139, A>G. VCF-style: chr19-13088139-A-G. GRCh37 (hg19) VCF-style: chr19-13198953-A-G.
Other names: c.1255-2160A>G (NM_002501.4); c.1132-2160A>G (NM_001365982.2); c.1378+3A>G (NM_001378404.1); c.1231-2160A>G (NM_001271044.3); c.1450+3A>G (NM_001378405.1); c.1114-2160A>G (NM_001365983.2); c.1426+3A>G (NM_001271043.2); c.1399+3A>G (NM_001365984.2); and 1 more.
Identifiers: ClinVar variation 1320628 (VCV001320628.2), dbSNP rs2145503512, ClinGen allele CA2573054721.

ClinVar aggregate classification (germline): Uncertain significance (1 of 4 stars; one submission).

Submission:

GeneDx
Classification: Uncertain significance. Last evaluated: 2021-05-04. Review status: criteria provided, single submitter. Criteria: GeneDx Variant Classification Process June 2021. Collection method: clinical testing. Allele origin: germline. Affected: yes.
Comment: Has not been previously published as pathogenic or benign to our knowledge; In-silico analysis, which includes splice predictors and evolutionary conservation, is inconclusive as to whether the variant alters gene splicing. In the absence of RNA/functional studies, the actual effect of this sequence change is unknown